The following is an entry in ClinVar:

NM_199242.3(UNC13D):c.1606C>T (p.Arg536Trp)

Gene: UNC13D (unc-13 homolog D; minus strand). Cytogenetic location: 17q25.1.
Variant type: single nucleotide variant.
Coding change: c.1606C>T on transcript NM_199242.3 (MANE Select); coding-DNA position 1606, C replaced by T.
Protein change: p.Arg536Trp; replaces arginine 536 with tryptophan.
Molecular consequence: missense variant.
Genome position (GRCh38, 1-based): chr17:75,835,768, G>A on the plus strand (C>T on the coding strand, the complement: UNC13D is on the minus strand). VCF-style: chr17-75835768-G-A. GRCh37 (hg19) VCF-style: chr17-73831849-G-A.
Other names: short protein forms R536W.
Identifiers: ClinVar variation 1399516 (VCV001399516.6), dbSNP rs780530249, ClinGen allele CA8772876.
Genomic context (GRCh38, chr17:75,835,768, plus strand): 5'-GACTCTCGCCCATCTCTGGGGACACTACATCACCCACAACCGTCGTGTGGTCCTGCACCC[G>A]CTTGGCCACCTGCAAAGGAAAGGTGTGGAGGGCGGGGCCCACAGCTCTGTTGGAGGGCAT-3'
Protein context (NP_954712.1, residues 526-546): FRELQWLVAK[Arg536Trp]VQDHTTVVGD

ClinVar aggregate classification (germline): Uncertain significance (1 of 4 stars; one submission).

Conditions:
Familial hemophagocytic lymphohistiocytosis 3 (FHL3). Also called: UNC13D-Related Familial Hemophagocytic Lymphohistiocytosis (UNC13D-fHLH). Identifiers: Orphanet 540, MedGen C1837174, MONDO:0012146, OMIM 608898.

Allele frequency attached by ClinVar (database versions not stated): gnomAD exomes 0.00001; ExAC 0.00002.
gnomAD v4.1: 8 of 1,613,930 alleles (0.0005%); highest among the groups gnomAD compares: South Asian, 0.0033%; no homozygotes.

Submission:

Labcorp Genetics (formerly Invitae), Labcorp
Classification: Uncertain significance for Familial hemophagocytic lymphohistiocytosis 3. Last evaluated: 2022-03-17. Review status: criteria provided, single submitter. Criteria: Invitae Variant Classification Sherloc (09022015). Collection method: clinical testing. Allele origin: germline.
Comment: Algorithms developed to predict the effect of missense changes on protein structure and function are either unavailable or do not agree on the potential impact of this missense change (SIFT: "Not Available"; PolyPhen-2: "Possibly Damaging"; Align-GVGD: "Not Available"). Algorithms developed to predict the effect of sequence changes on RNA splicing suggest that this variant may create or strengthen a splice site. In summary, the available evidence is currently insufficient to determine the role of this variant in disease. Therefore, it has been classified as a Variant of Uncertain Significance. This sequence change replaces arginine with tryptophan at codon 536 of the UNC13D protein (p.Arg536Trp). The arginine residue is weakly conserved and there is a moderate physicochemical difference between arginine and tryptophan. This variant is present in population databases (rs780530249, gnomAD 0.006%). This variant has not been reported in the literature in individuals affected with UNC13D-related conditions.